The following is an entry in ClinVar:

NM_003922.4(HERC1):c.1057A>T (p.Thr353Ser)

Gene: HERC1 (HECT and RLD domain containing E3 ubiquitin protein ligase family member 1; minus strand). Cytogenetic location: 15q22.31.
Variant type: single nucleotide variant.
Coding change: c.1057A>T on transcript NM_003922.4 (MANE Select); coding-DNA position 1057, A replaced by T.
Protein change: p.Thr353Ser; replaces threonine 353 with serine.
Molecular consequence: missense variant.
Genome position (GRCh38, 1-based): chr15:63,758,339, T>A on the plus strand (A>T on the coding strand, the complement: HERC1 is on the minus strand). VCF-style: chr15-63758339-T-A. GRCh37 (hg19) VCF-style: chr15-64050538-T-A.
Other names: short protein forms T353S.
Identifiers: ClinVar variation 2500501 (VCV002500501.3), dbSNP rs2551797592, ClinGen allele CA392805151.

ClinVar aggregate classification (germline): Uncertain significance. Review status: criteria provided, multiple submitters, no conflicts (2 of 4 stars). 2 submissions from 2 submitters: Uncertain significance (2). Last evaluated 2025-06-03.

Conditions:
Inborn genetic diseases. Identifiers: MedGen C0950123, MeSH D030342.

Submissions (2):

Ambry Genetics
Classification: Uncertain significance for Inborn genetic diseases. Last evaluated: 2025-06-03. Review status: criteria provided, single submitter. Criteria: Ambry Variant Classification Scheme 2023. Collection method: clinical testing. Allele origin: germline.

GeneDx
Classification: Uncertain significance. Last evaluated: 2024-03-29. Review status: criteria provided, single submitter. Criteria: GeneDx Variant Classification Process June 2021. Collection method: clinical testing. Allele origin: germline.
Comment: Not observed at significant frequency in large population cohorts (gnomAD); In silico analysis supports that this missense variant does not alter protein structure/function; Has not been previously published as pathogenic or benign to our knowledge